The following is an entry in ClinVar:

NM_001042681.2(RERE):c.3901G>A (p.Glu1301Lys)

Gene: RERE (arginine-glutamic acid dipeptide repeats; minus strand). Cytogenetic location: 1p36.23.
Variant type: single nucleotide variant.
Coding change: c.3901G>A on transcript NM_001042681.2 (MANE Select); coding-DNA position 3901, G replaced by A.
Protein change: p.Glu1301Lys; replaces glutamic acid 1301 with lysine.
Molecular consequence: missense variant.
Genome position (GRCh38, 1-based): chr1:8,358,634, C>T on the plus strand (G>A on the coding strand, the complement: RERE is on the minus strand). VCF-style: chr1-8358634-C-T. GRCh37 (hg19) VCF-style: chr1-8418694-C-T.
Other names: c.2239G>A, p.Glu747Lys (NM_001042682.2); c.3901G>A, p.Glu1301Lys (NM_012102.4); c.3901G>A (NM_012102.3); short protein forms E747K, E1301K.
Identifiers: ClinVar variation 1946575 (VCV001946575.6), dbSNP rs1445200468, ClinGen allele CA338169613.
Genomic context (GRCh38, chr1:8,358,634, plus strand): 5'-CCCGCAGCTCCCGCTCTCGGATCTCCCGCTCTCGGATCTCCCGCTCCCGGAGCTCCCGCT[C>T]GCGGATGGTGGGGTCGACGTTGTAGAGGCCAGGCATGTGGTAGGCCAGCAGGGGGTCCGT-3'
Protein context (NP_001036146.1, residues 1291-1311): GLYNVDPTIR[Glu1301Lys]RELREREIRE

ClinVar aggregate classification (germline): Uncertain significance. Review status: criteria provided, multiple submitters, no conflicts (2 of 4 stars). 2 submissions from 2 submitters: Uncertain significance (2). Last evaluated 2025-11-13.

Conditions:
Inborn genetic diseases. Identifiers: MedGen C0950123, MeSH D030342.

Allele frequency attached by ClinVar (database versions not stated): TOPMed below 0.00001.
gnomAD v4.1: 4 of 1,587,086 alleles (0.00025%); highest among the groups gnomAD compares: Admixed American, 0.0018%; no homozygotes.

Submissions (2):

Ambry Genetics
Classification: Uncertain significance for Inborn genetic diseases. Last evaluated: 2025-11-13. Review status: criteria provided, single submitter. Criteria: Ambry Variant Classification Scheme 2023. Collection method: clinical testing. Allele origin: germline.

Labcorp Genetics (formerly Invitae), Labcorp
Classification: Uncertain significance. Last evaluated: 2023-03-06. Review status: criteria provided, single submitter. Criteria: Invitae Variant Classification Sherloc (09022015). Collection method: clinical testing. Allele origin: germline.
Comment: This sequence change replaces glutamic acid, which is acidic and polar, with lysine, which is basic and polar, at codon 1301 of the RERE protein (p.Glu1301Lys). In summary, the available evidence is currently insufficient to determine the role of this variant in disease. Therefore, it has been classified as a Variant of Uncertain Significance. Advanced modeling of protein sequence and biophysical properties (such as structural, functional, and spatial information, amino acid conservation, physicochemical variation, residue mobility, and thermodynamic stability) has been performed at Invitae for this missense variant, however the output from this modeling did not meet the statistical confidence thresholds required to predict the impact of this variant on RERE protein function. ClinVar contains an entry for this variant (Variation ID: 1946575). This variant has not been reported in the literature in individuals affected with RERE-related conditions. This variant is present in population databases (no rsID available, gnomAD 0.003%).